The following is an entry in ClinVar:

NC_000019.9:g.(?_12757434)_(13387962_?)dup

Genes: BEST2 (bestrophin 2; plus strand), CACNA1A (calcium voltage-gated channel subunit alpha1 A; minus strand), CALR (calreticulin; plus strand), FARSA (phenylalanyl-tRNA synthetase subunit alpha; minus strand), FBXW9 (F-box and WD repeat domain containing 9; minus strand) and 26 more. Cytogenetic location: 19p13.2.
Variant type: Duplication.
Identifiers: ClinVar variation 3248506 (VCV003248506.1).

ClinVar aggregate classification (germline): Uncertain significance (1 of 4 stars; one submission).

Conditions:
Episodic ataxia type 2 (EA2). Also called: ATAXIA, EPISODIC, WITH NYSTAGMUS; ATAXIA, FAMILIAL PAROXYSMAL; CEREBELLAR ATAXIA, PAROXYSMAL, ACETAZOLAMIDE-RESPONSIVE; CEREBELLOPATHY, HEREDITARY PAROXYSMAL; EPISODIC ATAXIA, NYSTAGMUS-ASSOCIATED; ACETAZOLAMIDE-RESPONSIVE HEREDITARY PAROXYSMAL CEREBELLAR ATAXIA. Identifiers: Orphanet 97, MedGen C1720416, MONDO:0007163, OMIM 108500.
Developmental and epileptic encephalopathy, 42 (DEE42A). Also called: DEVELOPMENTAL AND EPILEPTIC ENCEPHALOPATHY 42A; EPILEPTIC ENCEPHALOPATHY, EARLY INFANTILE, 42A; Epileptic encephalopathy, early infantile, 42. Identifiers: MedGen C4310716, MONDO:0014917, OMIM 617106.

Submission:

Labcorp Genetics (formerly Invitae), Labcorp
Classification: Uncertain significance for Developmental and epileptic encephalopathy, 42; Episodic ataxia type 2. Last evaluated: 2023-10-27. Review status: criteria provided, single submitter. Criteria: Invitae Variant Classification Sherloc (09022015). Collection method: clinical testing. Allele origin: unknown.
Comment: This variant results in a copy number gain of the genomic region encompassing exon(s) 23-47 of the CACNA1A gene. This region includes the termination codon of the gene. This copy number gain extends beyond the assayed region for this gene and therefore may encompass additional genes. As the precise location of this event is unknown, it may be in tandem or it may be located elsewhere in the genome. This variant has not been reported in the literature in individuals affected with CACNA1A-related conditions. In summary, the available evidence is currently insufficient to determine the role of this variant in disease. Therefore, it has been classified as a Variant of Uncertain Significance.